The following is an entry in ClinVar:

NM_020812.4(DOCK6):c.1192G>A (p.Ala398Thr)

Gene: DOCK6 (dedicator of cytokinesis 6; minus strand). Cytogenetic location: 19p13.2.
Variant type: single nucleotide variant.
Coding change: c.1192G>A on transcript NM_020812.4 (MANE Select); coding-DNA position 1192, G replaced by A.
Protein change: p.Ala398Thr; replaces alanine 398 with threonine.
Molecular consequence: missense variant.
Genome position (GRCh38, 1-based): chr19:11,243,623, C>T on the plus strand (G>A on the coding strand, the complement: DOCK6 is on the minus strand). VCF-style: chr19-11243623-C-T. GRCh37 (hg19) VCF-style: chr19-11354299-C-T.
Other names: c.1192G>A, p.Ala398Thr (NM_001367830.1); short protein forms A398T.
Identifiers: ClinVar variation 1391896 (VCV001391896.6), dbSNP rs1156434519, ClinGen allele CA404110332.

ClinVar aggregate classification (germline): Uncertain significance (1 of 4 stars; one submission).

Submission:

Labcorp Genetics (formerly Invitae), Labcorp
Classification: Uncertain significance. Last evaluated: 2022-11-29. Review status: criteria provided, single submitter. Criteria: Invitae Variant Classification Sherloc (09022015). Collection method: clinical testing. Allele origin: germline.
Comment: In summary, the available evidence is currently insufficient to determine the role of this variant in disease. Therefore, it has been classified as a Variant of Uncertain Significance. Advanced modeling of protein sequence and biophysical properties (such as structural, functional, and spatial information, amino acid conservation, physicochemical variation, residue mobility, and thermodynamic stability) performed at Invitae indicates that this missense variant is not expected to disrupt DOCK6 protein function. ClinVar contains an entry for this variant (Variation ID: 1391896). This variant has not been reported in the literature in individuals affected with DOCK6-related conditions. This variant is not present in population databases (gnomAD no frequency). This sequence change replaces alanine, which is neutral and non-polar, with threonine, which is neutral and polar, at codon 398 of the DOCK6 protein (p.Ala398Thr).